The following is an entry in ClinVar:

NM_000213.5(ITGB4):c.4436A>G (p.His1479Arg)

Genes: GALK1 (galactokinase 1; minus strand), ITGB4 (integrin subunit beta 4; plus strand). Cytogenetic location: 17q25.1.
Variant type: single nucleotide variant.
Coding change: c.4436A>G on transcript NM_000213.5 (MANE Select); coding-DNA position 4436, A replaced by G.
Protein change: p.His1479Arg; replaces histidine 1479 with arginine.
Molecular consequence: missense variant. On other transcripts: intron variant (1).
Genome position (GRCh38, 1-based): chr17:75,754,693, A>G. VCF-style: chr17-75754693-A-G. GRCh37 (hg19) VCF-style: chr17-73750774-A-G.
Other names: c.4436A>G (NM_000213.4); c.4226A>G, p.His1409Arg (NM_001005619.2, NM_001005731.3, NM_001321123.2 and 1 more transcripts); c.*23-2956T>C (NM_001381985.1); short protein forms H1479R, H1409R.
Identifiers: ClinVar variation 1985740 (VCV001985740.4), dbSNP rs375629632, ClinGen allele CA294084522.

ClinVar aggregate classification (germline): Uncertain significance. Review status: criteria provided, multiple submitters, no conflicts (2 of 4 stars). 4 submissions from 4 submitters: Uncertain significance (4). Last evaluated 2025-05-08.

Conditions:
Inborn genetic diseases. Identifiers: MedGen C0950123, MeSH D030342.
Junctional epidermolysis bullosa with pyloric atresia. Also called: Epidermolysis bullosa, junctional, with pyloric atresia and aplasia cutis congenita; Epidermolysis bullosa junctionalis with pyloric atresia; APLASIA CUTIS CONGENITA WITH GASTROINTESTINAL ATRESIA; CARMI SYNDROME; EB-PA-ACC; ITGB4-Related Epidermolysis Bullosa with Pyloric Atresia. Identifiers: Orphanet 79403, MedGen C5676875, MONDO:0009183, OMIM 226730.
Epidermolysis bullosa, junctional 5A, intermediate. Also called: EPIDERMOLYSIS BULLOSA, JUNCTIONAL 5A, GENERALIZED INTERMEDIATE; EPIDERMOLYSIS BULLOSA, JUNCTIONAL 5A, NON-HERLITZ TYPE. Identifiers: MedGen C5676956, MONDO:0030768, OMIM 619816.
ITGB4-related disorder. Also called: ITGB4-related condition.

Allele frequency attached by ClinVar (database versions not stated): TOPMed 0.00002; gnomAD 0.00001; gnomAD exomes 0.00001.
gnomAD v4.1: 28 of 1,614,014 alleles (0.0017%); highest among the groups gnomAD compares: East Asian, 0.011%; no homozygotes.

Submissions (4):

PreventionGenetics, part of Exact Sciences
Classification: Uncertain significance for ITGB4-related condition. Last evaluated: 2025-05-08. Review status: criteria provided, single submitter. Criteria: ACMG Guidelines, 2015. Collection method: clinical testing. Allele origin: germline.
Comment: The ITGB4 c.4436A>G variant is predicted to result in the amino acid substitution p.His1479Arg. To our knowledge, this variant has not been reported in the literature. This variant is reported in 0.011% of alleles in individuals of East Asian descent in gnomAD. At this time, the clinical significance of this variant is uncertain due to the absence of conclusive functional and genetic evidence.

Fulgent Genetics
Classification: Uncertain significance for Junctional epidermolysis bullosa with pyloric atresia; Epidermolysis bullosa, junctional 5A, intermediate. Last evaluated: 2024-06-17. Review status: criteria provided, single submitter. Criteria: ACMG Guidelines, 2015. Collection method: clinical testing. Allele origin: germline.

Ambry Genetics
Classification: Uncertain significance for Inborn genetic diseases. Last evaluated: 2024-01-30. Review status: criteria provided, single submitter. Criteria: Ambry Variant Classification Scheme 2023. Collection method: clinical testing. Allele origin: germline.

Labcorp Genetics (formerly Invitae), Labcorp
Classification: Uncertain significance. Last evaluated: 2022-03-18. Review status: criteria provided, single submitter. Criteria: Invitae Variant Classification Sherloc (09022015). Collection method: clinical testing. Allele origin: germline.
Comment: This sequence change replaces histidine, which is basic and polar, with arginine, which is basic and polar, at codon 1409 of the ITGB4 protein (p.His1409Arg). This variant is present in population databases (rs375629632, gnomAD 0.01%). This variant has not been reported in the literature in individuals affected with ITGB4-related conditions. Algorithms developed to predict the effect of missense changes on protein structure and function output the following: SIFT: "Not Available"; PolyPhen-2: "Benign"; Align-GVGD: "Not Available". The arginine amino acid residue is found in multiple mammalian species, which suggests that this missense change does not adversely affect protein function. In summary, the available evidence is currently insufficient to determine the role of this variant in disease. Therefore, it has been classified as a Variant of Uncertain Significance.